The following is an entry in ClinVar:

NM_018979.4(WNK1):c.6277C>T (p.Arg2093Cys)

Gene: WNK1 (WNK lysine deficient protein kinase 1; plus strand). Cytogenetic location: 12p13.33.
Variant type: single nucleotide variant.
Coding change: c.6277C>T on transcript NM_018979.4 (MANE Select); coding-DNA position 6277, C replaced by T.
Protein change: p.Arg2093Cys; replaces arginine 2093 with cysteine.
Molecular consequence: missense variant.
Genome position (GRCh38, 1-based): chr12:897,510, C>T. VCF-style: chr12-897510-C-T. GRCh37 (hg19) VCF-style: chr12-1006676-C-T.
Other names: c.7057C>T, p.Arg2353Cys (NM_001184985.2); c.5533C>T, p.Arg1845Cys (NM_014823.3); c.7033C>T, p.Arg2345Cys (NM_213655.5); short protein forms R2353C, R2093C, R1845C, R2345C.
Identifiers: ClinVar variation 950436 (VCV000950436.9), dbSNP rs771333421, ClinGen allele CA6383376.

ClinVar aggregate classification (germline): Uncertain significance (1 of 4 stars; one submission).

Conditions:
Neuropathy, hereditary sensory and autonomic, type 2A (HSAN2A). Also called: ACROOSTEOLYSIS, GIACCAI TYPE; ACROOSTEOLYSIS, NEUROGENIC; WNK1-Related HSAN2 (HSAN2A); HSAN IIA; MORVAN DISEASE; NEUROPATHY, CONGENITAL SENSORY. Identifiers: Orphanet 970, MedGen C2752089, MONDO:0024309, OMIM 201300.
Pseudohypoaldosteronism type 2C (PHA2C). Also called: Pseudohypoaldosteronism Type IIC. Identifiers: Orphanet 757, Orphanet 88940, MedGen C1840391, MONDO:0013778, OMIM 614492.

Allele frequency attached by ClinVar (database versions not stated): ExAC 0.00002; TOPMed 0.00002; gnomAD 0.00003; gnomAD exomes 0.00003.
gnomAD v4.1: 45 of 1,610,632 alleles (0.0028%); highest among the groups gnomAD compares: Middle Eastern, 0.016%; no homozygotes.

Submission:

Labcorp Genetics (formerly Invitae), Labcorp
Classification: Uncertain significance for Neuropathy, hereditary sensory and autonomic, type 2A; Pseudohypoaldosteronism type 2C. Last evaluated: 2023-03-08. Review status: criteria provided, single submitter. Criteria: Invitae Variant Classification Sherloc (09022015). Collection method: clinical testing. Allele origin: germline.
Comment: This sequence change replaces arginine, which is basic and polar, with cysteine, which is neutral and slightly polar, at codon 2345 of the WNK1 protein (p.Arg2345Cys). In summary, the available evidence is currently insufficient to determine the role of this variant in disease. Therefore, it has been classified as a Variant of Uncertain Significance. Advanced modeling of protein sequence and biophysical properties (such as structural, functional, and spatial information, amino acid conservation, physicochemical variation, residue mobility, and thermodynamic stability) performed at Invitae indicates that this missense variant is not expected to disrupt WNK1 protein function. ClinVar contains an entry for this variant (Variation ID: 950436). This variant has not been reported in the literature in individuals affected with WNK1-related conditions. This variant is present in population databases (rs771333421, gnomAD 0.02%).